The following is an entry in ClinVar:

NM_004415.4(DSP):c.7994C>T (p.Thr2665Met)

Gene: DSP (desmoplakin; plus strand). Cytogenetic location: 6p24.3.
Variant type: single nucleotide variant.
Coding change: c.7994C>T on transcript NM_004415.4 (MANE Select); coding-DNA position 7994, C replaced by T.
Protein change: p.Thr2665Met; replaces threonine 2665 with methionine.
Molecular consequence: missense variant.
Genome position (GRCh38, 1-based): chr6:7,585,256, C>T. VCF-style: chr6-7585256-C-T. GRCh37 (hg19) VCF-style: chr6-7585489-C-T.
Other names: c.6197C>T, p.Thr2066Met (NM_001008844.3); c.6665C>T, p.Thr2222Met (NM_001319034.2); c.7994C>T (NM_004415.3, LRG_423t1); short protein forms T2665M, T2222M, T2066M.
Identifiers: ClinVar variation 519007 (VCV000519007.55), dbSNP rs151309106, ClinGen allele CA051292.

ClinVar aggregate classification (germline): Conflicting classifications of pathogenicity. Review status: criteria provided, conflicting classifications (1 of 4 stars). 10 submissions from 10 submitters: Uncertain significance (6); Likely benign (1). 3 of the submissions do not count toward it. Last evaluated 2026-09-21.

Conditions:
Cardiovascular phenotype. Identifiers: MedGen CN230736.
Arrhythmogenic right ventricular dysplasia 8 (ARVD8). Also called: Arrhythmogenic Right Ventricular Dysplasia/Cardiomyopathy 8; ARRHYTHMOGENIC RIGHT VENTRICULAR DYSPLASIA, FAMILIAL, 8; ARRHYTHMOGENIC RIGHT VENTRICULAR CARDIOMYOPATHY 8. Identifiers: MedGen C1843896, MONDO:0011831, OMIM 607450.
Arrhythmogenic cardiomyopathy with wooly hair and keratoderma. Also called: Carvajal syndrome; Dilated cardiomyopathy with woolly hair and keratoderma; Arrhythmogenic cardiomyopathy with woolly hair and keratoderma; PALMOPLANTAR KERATODERMA WITH LEFT VENTRICULAR CARDIOMYOPATHY AND WOOLLY HAIR. Identifiers: Orphanet 65282, MedGen C1854063, MONDO:0011581, OMIM 605676.
Lethal acantholytic epidermolysis bullosa (EBLA). Identifiers: Orphanet 158687, MedGen C1864826, MONDO:0012323, OMIM 609638.
Keratosis palmoplantaris striata 2. Also called: Keratosis palmoplantaris striata II; KERATODERMA, PALMOPLANTAR, STRIATE FORM II; STRIATE PALMOPLANTAR KERATODERMA II. Identifiers: MedGen C1852127, MONDO:0013034, OMIM 612908.
Woolly hair-skin fragility syndrome (WHSF). Identifiers: Orphanet 293165, MedGen C1843292, MONDO:0957307, OMIM 620415.
Cardiomyopathy, dilated, with wooly hair, keratoderma, and tooth agenesis. Also called: Cardiomyopathy, dilated, with woolly hair, keratoderma, and tooth agenesis; Erythrokeratodermia-cardiomyopathy syndrome. Identifiers: Orphanet 476096, Orphanet 65282, MedGen C4014393, MONDO:0014355, OMIM 615821.
Cardiomyopathy (CMYO). Also called: Cardiomyopathies. Identifiers: Orphanet 167848, MedGen C0878544, MONDO:0004994, HP:0001638. Inheritance: Various modes of inheritance.

Allele frequency attached by ClinVar (database versions not stated): ExAC 0.00002; gnomAD exomes 0.00004 and 0.00008; ESP Exome Variant Server 0.00008; gnomAD 0.00001; TOPMed 0.00001.
gnomAD v4.1: 109 of 1,614,040 alleles (0.0068%); highest among the groups gnomAD compares: Middle Eastern, 0.016%; no homozygotes.

Submissions (10):

Molecular Diagnostic Laboratory for Inherited Cardiovascular Disease, Montreal Heart Institute
Classification: Uncertain significance for Cardiovascular phenotype. Last evaluated: 2026-09-21. Review status: criteria provided, single submitter. Criteria: ACMG Guidelines, 2015. Collection method: clinical testing. Allele origin: germline. Affected: yes.

Ambry Genetics
Classification: Uncertain significance for Cardiovascular phenotype. Last evaluated: 2026-01-21. Review status: criteria provided, single submitter. Criteria: Ambry Variant Classification Scheme 2023. Collection method: clinical testing. Allele origin: germline.

Labcorp Genetics (formerly Invitae), Labcorp
Classification: Likely benign for Arrhythmogenic cardiomyopathy with wooly hair and keratoderma; Arrhythmogenic right ventricular dysplasia 8. Last evaluated: 2025-10-29. Review status: criteria provided, single submitter. Criteria: Invitae Variant Classification Sherloc (09022015). Collection method: clinical testing. Allele origin: germline.

All of Us Research Program, National Institutes of Health
Classification: Uncertain significance for Arrhythmogenic cardiomyopathy with wooly hair and keratoderma. Last evaluated: 2024-02-05. Review status: criteria provided, single submitter. Criteria: ACMG Guidelines, 2015. Collection method: clinical testing. Allele origin: germline. Inheritance: Autosomal dominant inheritance. Observed: 20 variant alleles, 20 heterozygotes.
Comment: This missense variant replaces threonine with methionine at codon 2665 of the DSP protein. Computational prediction suggests that this variant may not impact protein structure and function (internally defined REVEL score threshold <= 0.5, PMID: 27666373). To our knowledge, functional studies have not been reported for this variant. This variant has been reported in two individuals affected with dilated cardiomyopathy (PMID: 31568572, 32880476). This variant has also been identified in 11/282270 chromosomes in the general population by the Genome Aggregation Database (gnomAD). The available evidence is insufficient to determine the role of this variant in disease conclusively. Therefore, this variant is classified as a Variant of Uncertain Significance.

This study involves interpretation of variants in research participants for the purpose of population health screening. Participant phenotype was not available at the time of variant classification. Additional details can be found in publication PMID: 35346344, PMCID: PMC8962531

Color Diagnostics, LLC DBA Color Health
Classification: Uncertain significance for Cardiomyopathy. Last evaluated: 2023-12-13. Review status: criteria provided, single submitter. Criteria: ACMG Guidelines, 2015. Collection method: clinical testing. Allele origin: germline.
Comment: This missense variant replaces threonine with methionine at codon 2665 of the DSP protein. Computational prediction suggests that this variant may not impact protein structure and function (internally defined REVEL score threshold <= 0.5, PMID: 27666373). To our knowledge, functional studies have not been reported for this variant. This variant has been reported in two individuals affected with dilated cardiomyopathy (PMID: 31568572, 32880476). This variant has also been identified in 11/282270 chromosomes in the general population by the Genome Aggregation Database (gnomAD). The available evidence is insufficient to determine the role of this variant in disease conclusively. Therefore, this variant is classified as a Variant of Uncertain Significance.

CeGaT Center for Human Genetics Tuebingen
Classification: Uncertain significance. Last evaluated: 2023-01-01. Review status: criteria provided, single submitter. Criteria: CeGaT Center For Human Genetics Tuebingen Variant Classification Criteria Version 2. Collection method: clinical testing. Allele origin: germline. Affected: yes. Observed: 1 variant allele.

Fulgent Genetics
Classification: Uncertain significance for Arrhythmogenic cardiomyopathy with wooly hair and keratoderma; Arrhythmogenic right ventricular dysplasia 8; Lethal acantholytic epidermolysis bullosa; Keratosis palmoplantaris striata 2; Cardiomyopathy, dilated, with wooly hair, keratoderma, and tooth agenesis. Last evaluated: 2021-11-17. Review status: criteria provided, single submitter. Criteria: ACMG Guidelines, 2015. Collection method: clinical testing. Allele origin: unknown.

Diagnostic Laboratory, Department of Genetics, University Medical Center Groningen
Classification: Uncertain significance. Review status: no assertion criteria provided. Collection method: clinical testing. Allele origin: germline. Affected: yes. Study: VKGL Data-share Consensus. Not counted in ClinVar's aggregate classification.

Genome Diagnostics Laboratory, University Medical Center Utrecht
Classification: Uncertain significance. Review status: no assertion criteria provided. Collection method: clinical testing. Allele origin: germline. Affected: yes. Study: VKGL Data-share Consensus. Not counted in ClinVar's aggregate classification.

Joint Genome Diagnostic Labs from Nijmegen and Maastricht, Radboudumc and MUMC+
Classification: Uncertain significance. Review status: no assertion criteria provided. Collection method: clinical testing. Allele origin: germline. Affected: yes. Study: VKGL Data-share Consensus. Not counted in ClinVar's aggregate classification.

Literature cited by the submitters: PubMed 31568572 (cited by All of Us Research Program, National Institutes of Health and Color Diagnostics, LLC DBA Color Health); PubMed 32880476 (cited by All of Us Research Program, National Institutes of Health and Color Diagnostics, LLC DBA Color Health).